The following is an entry in ClinVar:

ClinVar aggregate classification (germline): Pathogenic (1 of 4 stars; one submission).

Submission:

Labcorp Genetics (formerly Invitae), Labcorp
Classification: Pathogenic. Last evaluated: 2019-05-08. Review status: criteria provided, single submitter. Criteria: Invitae Variant Classification Sherloc (09022015). Collection method: clinical testing. Allele origin: germline.
Comment: This sequence change results in a premature translational stop signal in the CHM gene (p.Tyr573Cysfs*12). While this is not anticipated to result in nonsense mediated decay, it is expected to disrupt the last 81 amino acids of the CHM protein. This variant is not present in population databases (ExAC no frequency). This variant has been observed in an individual affected with choroideremia (PMID: 26327910). This variant disrupts the C-terminus of the CHM protein. Other variant(s) that disrupt this region (p.Cys575*, p.Val588Asnfs*60, p.Leu594Phefs*55) have been observed in individuals with CHM-related conditions (PMID: 12827496, 23811034). This suggests that this may be a clinically significant region of the protein. For these reasons, this variant has been classified as Pathogenic.

Literature cited by the submitters: PubMed 26327910; PubMed 12827496; PubMed 23811034.

NM_000390.4(CHM):c.1718_1719del (p.Tyr573fs)

Gene: CHM (CHM Rab escort protein; minus strand). Cytogenetic location: Xq21.2.
Variant type: Deletion.
Coding change: c.1718_1719del on transcript NM_000390.4 (MANE Select); coding-DNA positions 1718 to 1719, 2 bases deleted (AT; older notation c.1718_1719delAT).
Protein change: p.Tyr573fs; shifts the reading frame from tyrosine 573.
Molecular consequence: frameshift variant.
Genome position (GRCh38, 1-based): chrX:85,873,103-85,873,104, AT deleted on the plus strand (AT on the coding strand, the reverse complement: CHM is on the minus strand); deleting any 2 consecutive bases within chrX:85,873,103-85,873,105 gives the same sequence; the c. name uses the placement nearest the transcript's 3' end. VCF-style (leftmost placement, unchanged base first): chrX-85873102-CAT-C. GRCh37 (hg19) VCF-style: chrX-85128107-CAT-C.
Other names: c.1274_1275del, p.Tyr425fs (NM_001320959.1, NM_001362517.1, NM_001362518.2 and 1 more transcripts); short protein forms Y573fs, Y425fs.
Identifiers: ClinVar variation 840537 (VCV000840537.9), dbSNP rs1924186486, ClinGen allele CA916082494.